The following is an entry in ClinVar:

ClinVar aggregate classification (germline): Uncertain significance (1 of 4 stars; one submission).

Submission:

Ambry Genetics
Classification: Uncertain significance. Last evaluated: 2025-07-10. Review status: criteria provided, single submitter. Criteria: Ambry Variant Classification Scheme 2023. Collection method: clinical testing. Allele origin: germline.
Comment: The p.G1050D variant (also known as c.3149G>A), located in coding exon 28 of the KIF1B gene, results from a G to A substitution at nucleotide position 3149. The glycine at codon 1050 is replaced by aspartic acid, an amino acid with similar properties. This amino acid position is conserved. In addition, this alteration is predicted to be tolerated by in silico analysis. Based on the available evidence, the clinical significance of this variant remains unclear.

NM_001365951.3(KIF1B):c.3287G>A (p.Gly1096Asp)

Gene: KIF1B (kinesin family member 1B; plus strand). Cytogenetic location: 1p36.22.
Variant type: single nucleotide variant.
Coding change: c.3287G>A on transcript NM_001365951.3 (MANE Select); coding-DNA position 3287, G replaced by A.
Protein change: p.Gly1096Asp; replaces glycine 1096 with aspartic acid.
Molecular consequence: missense variant.
Genome position (GRCh38, 1-based): chr1:10,337,398, G>A. VCF-style: chr1-10337398-G-A. GRCh37 (hg19) VCF-style: chr1-10397456-G-A.
Other names: c.3287G>A, p.Gly1096Asp (NM_001365952.1); c.3149G>A, p.Gly1050Asp (NM_015074.3); short protein forms G1096D, G1050D.
Identifiers: ClinVar variation 4092301 (VCV004092301.1).